The following is an entry in ClinVar:

NM_006734.4(HIVEP2):c.3569T>G (p.Phe1190Cys)

Gene: HIVEP2 (HIVEP zinc finger 2; minus strand). Cytogenetic location: 6q24.2.
Variant type: single nucleotide variant.
Coding change: c.3569T>G on transcript NM_006734.4 (MANE Select); coding-DNA position 3569, T replaced by G.
Protein change: p.Phe1190Cys; replaces phenylalanine 1190 with cysteine.
Molecular consequence: missense variant.
Genome position (GRCh38, 1-based): chr6:142,771,170, A>C on the plus strand (T>G on the coding strand, the complement: HIVEP2 is on the minus strand). VCF-style: chr6-142771170-A-C. GRCh37 (hg19) VCF-style: chr6-143092307-A-C.
Other names: c.3569T>G (NM_006734.3); short protein forms F1190C.
Identifiers: ClinVar variation 2504031 (VCV002504031.4), dbSNP rs2482829963, ClinGen allele CA365903577.

ClinVar aggregate classification (germline): Uncertain significance. Review status: criteria provided, multiple submitters, no conflicts (2 of 4 stars). 2 submissions from 2 submitters: Uncertain significance (2). Last evaluated 2023-06-07.

Allele frequency attached by ClinVar (database versions not stated): gnomAD exomes below 0.00001.
gnomAD v4.1: 1 of 1,614,248 alleles (0.000062%); highest among the groups gnomAD compares: East Asian, 0.0022%; no homozygotes.

Submissions (2):

Labcorp Genetics (formerly Invitae), Labcorp
Classification: Uncertain significance. Last evaluated: 2023-06-07. Review status: criteria provided, single submitter. Criteria: Invitae Variant Classification Sherloc (09022015). Collection method: clinical testing. Allele origin: germline.
Comment: This variant has not been reported in the literature in individuals affected with HIVEP2-related conditions. This variant is not present in population databases (gnomAD no frequency). This sequence change replaces phenylalanine, which is neutral and non-polar, with cysteine, which is neutral and slightly polar, at codon 1190 of the HIVEP2 protein (p.Phe1190Cys). Advanced modeling of protein sequence and biophysical properties (such as structural, functional, and spatial information, amino acid conservation, physicochemical variation, residue mobility, and thermodynamic stability) performed at Invitae indicates that this missense variant is not expected to disrupt HIVEP2 protein function. In summary, the available evidence is currently insufficient to determine the role of this variant in disease. Therefore, it has been classified as a Variant of Uncertain Significance.

Women's Health and Genetics/Laboratory Corporation of America, LabCorp
Classification: Uncertain significance. Last evaluated: 2023-04-18. Review status: criteria provided, single submitter. Criteria: LabCorp Variant Classification Summary - May 2015. Collection method: clinical testing. Allele origin: germline.
Comment: Variant summary: HIVEP2 c.3569T>G (p.Phe1190Cys) results in a non-conservative amino acid change in the encoded protein sequence. Four of five in-silico tools predict a damaging effect of the variant on protein function. The variant was absent in 249564 control chromosomes. The available data on variant occurrences in the general population are insufficient to allow any conclusion about variant significance. To our knowledge, no occurrence of c.3569T>G in individuals affected with Intellectual Disability, Autosomal Dominant 43 and no experimental evidence demonstrating its impact on protein function have been reported. No clinical diagnostic laboratories have submitted clinical-significance assessments for this variant to ClinVar after 2014. Based on the evidence outlined above, the variant was classified as uncertain significance.